The following is an entry in ClinVar:

NM_015557.3(CHD5):c.3420C>G (p.Asn1140Lys)

Gene: CHD5 (chromodomain helicase DNA binding protein 5; minus strand). Cytogenetic location: 1p36.31.
Variant type: single nucleotide variant.
Coding change: c.3420C>G on transcript NM_015557.3 (MANE Select); coding-DNA position 3420, C replaced by G.
Protein change: p.Asn1140Lys; replaces asparagine 1140 with lysine.
Molecular consequence: missense variant.
Genome position (GRCh38, 1-based): chr1:6,129,037, G>C on the plus strand (C>G on the coding strand, the complement: CHD5 is on the minus strand). VCF-style: chr1-6129037-G-C. GRCh37 (hg19) VCF-style: chr1-6189097-G-C.
Other names: short protein forms N1140K.
Identifiers: ClinVar variation 4855854 (VCV004855854.1).

ClinVar aggregate classification (germline): Uncertain significance (1 of 4 stars; one submission).

Conditions:
Parenti-mignot neurodevelopmental syndrome. Identifiers: MedGen C5676984, MONDO:0859249, OMIM 619873.

Submission:

3billion
Classification: Uncertain significance for Parenti-mignot neurodevelopmental syndrome. Last evaluated: 2025-08-26. Review status: criteria provided, single submitter. Criteria: ACMG Guidelines, 2015. Collection method: clinical testing. Allele origin: germline. Affected: yes.
Comment: The variant is not observed in the gnomAD v4.1.0 dataset. Predicted Consequence/Location: Missense variant Damaging effect on gene or gene product predicted by in silico programs is uncertain [3Cnet: 0.37 (damaging >0.75, benign <0.1)]. A different missense change at the same codon (p.Asn1140Ile) has been reported to be associated with CHD5-related disorder (ClinVar ID: VCV000995784 /PMID: 33944996). However the evidence of pathogenicity is insufficient at this time. Therefore, this variant is classified as VUS according to the recommendation of ACMG/AMP guideline.

Literature cited by the submitters: PubMed 33944996.